The following is an entry in ClinVar:

NM_019098.5(CNGB3):c.1438C>T (p.Arg480Trp)

Gene: CNGB3 (cyclic nucleotide gated channel subunit beta 3; minus strand). Cytogenetic location: 8q21.3.
Variant type: single nucleotide variant.
Coding change: c.1438C>T on transcript NM_019098.5 (MANE Select); coding-DNA position 1438, C replaced by T.
Protein change: p.Arg480Trp; replaces arginine 480 with tryptophan.
Molecular consequence: missense variant.
Genome position (GRCh38, 1-based): chr8:86,628,961, G>A on the plus strand (C>T on the coding strand, the complement: CNGB3 is on the minus strand). VCF-style: chr8-86628961-G-A. GRCh37 (hg19) VCF-style: chr8-87641189-G-A.
Other names: short protein forms R480W.
Identifiers: ClinVar variation 1405126 (VCV001405126.6), dbSNP rs774267267, ClinGen allele CA4800025.

ClinVar aggregate classification (germline): Uncertain significance. Review status: criteria provided, multiple submitters, no conflicts (2 of 4 stars). 2 submissions from 2 submitters: Uncertain significance (2). Last evaluated 2022-02-24.

gnomAD v4.1: 14 of 1,613,738 alleles (0.00087%); highest among the groups gnomAD compares: South Asian, 0.0044%; no homozygotes.

Submissions (2):

Labcorp Genetics (formerly Invitae), Labcorp
Classification: Uncertain significance. Last evaluated: 2022-02-24. Review status: criteria provided, single submitter. Criteria: Invitae Variant Classification Sherloc (09022015). Collection method: clinical testing. Allele origin: germline.
Comment: This sequence change replaces arginine, which is basic and polar, with tryptophan, which is neutral and slightly polar, at codon 480 of the CNGB3 protein (p.Arg480Trp). This variant is present in population databases (rs774267267, gnomAD 0.009%). This variant has not been reported in the literature in individuals affected with CNGB3-related conditions. Advanced modeling of protein sequence and biophysical properties (such as structural, functional, and spatial information, amino acid conservation, physicochemical variation, residue mobility, and thermodynamic stability) performed at Invitae indicates that this missense variant is expected to disrupt CNGB3 protein function. In summary, the available evidence is currently insufficient to determine the role of this variant in disease. Therefore, it has been classified as a Variant of Uncertain Significance.

Blueprint Genetics
Classification: Uncertain significance. Last evaluated: 2019-07-05. Review status: criteria provided, single submitter. Criteria: ACMG Guidelines, 2015. Collection method: clinical testing. Allele origin: germline.